The following is an entry in ClinVar:

NM_002098.6(GUCA1B):c.295A>G (p.Lys99Glu)

Gene: GUCA1B (guanylate cyclase activator 1B; minus strand). Cytogenetic location: 6p21.1.
Variant type: single nucleotide variant.
Coding change: c.295A>G on transcript NM_002098.6 (MANE Select); coding-DNA position 295, A replaced by G.
Protein change: p.Lys99Glu; replaces lysine 99 with glutamic acid.
Molecular consequence: missense variant.
Genome position (GRCh38, 1-based): chr6:42,188,644, T>C on the plus strand (A>G on the coding strand, the complement: GUCA1B is on the minus strand). VCF-style: chr6-42188644-T-C. GRCh37 (hg19) VCF-style: chr6-42156382-T-C.
Other names: short protein forms K99E.
Identifiers: ClinVar variation 2014434 (VCV002014434.4), dbSNP rs2546727034, ClinGen allele CA364113008.
Genomic context (GRCh38, chr6:42,188,644, plus strand): 5'-CCACAATGTTGAGTAGCTCCAGGCGGTCGATGCAGCCATTGCCATCCTTATCATAGATCT[T>C]GAATGTCCACTTCAGCTTGTGCTCCAGGGTGCCCCTCAGCACGAGATTCAGAGCTGCCAC-3'
Protein context (NP_002089.4, residues 89-109): TLEHKLKWTF[Lys99Glu]IYDKDGNGCI

ClinVar aggregate classification (germline): Uncertain significance (1 of 4 stars; one submission).

Submission:

Labcorp Genetics (formerly Invitae), Labcorp
Classification: Uncertain significance. Last evaluated: 2022-09-27. Review status: criteria provided, single submitter. Criteria: Invitae Variant Classification Sherloc (09022015). Collection method: clinical testing. Allele origin: germline.
Comment: This variant is not present in population databases (gnomAD no frequency). This variant has not been reported in the literature in individuals affected with GUCA1B-related conditions. Algorithms developed to predict the effect of missense changes on protein structure and function are either unavailable or do not agree on the potential impact of this missense change (SIFT: "Tolerated"; PolyPhen-2: "Probably Damaging"; Align-GVGD: "Class C0"). In summary, the available evidence is currently insufficient to determine the role of this variant in disease. Therefore, it has been classified as a Variant of Uncertain Significance. This sequence change replaces lysine, which is basic and polar, with glutamic acid, which is acidic and polar, at codon 99 of the GUCA1B protein (p.Lys99Glu).